The following is an entry in ClinVar:

ClinVar aggregate classification (germline): not provided (0 of 4 stars; one submission).

Allele frequency attached by ClinVar (database versions not stated): gnomAD 0.00002 and 0.00001; TOPMed 0.00002.
gnomAD v4.1: 3 of 150,916 alleles (0.002%); highest among the groups gnomAD compares: Non-Finnish European, 0.0044%; no homozygotes.

Submission:

Human Evolutionary Genetics, Institut Pasteur
No classification provided. Review status: no classification provided. Collection method: not provided. Allele origin: germline.
ClinVar note: Converted during submission from untested to not provided.

NC_000019.10:g.55999329C>T

Gene: NLRP5 (NLR family pyrin domain containing 5; plus strand). Cytogenetic location: 19q13.43.
Variant type: single nucleotide variant.
Genome position: GRCh38 VCF-style: chr19-55999329-C-T. GRCh37 (hg19) VCF-style: chr19-56510695-C-T.
Identifiers: ClinVar variation 102986 (VCV000102986.2), dbSNP rs199475758, ClinGen allele CA229952.
Genomic context (GRCh38, chr19:55,999,329, plus strand): 5'-CAATGCCACAATCTTGGCTCACTGCAACCTCTGCCTCCCAGGTTCAAGTGATTCTTCTGC[C>T]TCAGCCTCCCGAGTAGCTGGGGTTACAGGTGCGCGCCACCATGCCTGGCTAATTTTTTGT-3'